The following is an entry in ClinVar:

NM_002160.4(TNC):c.115G>A (p.Ala39Thr)

Gene: TNC (tenascin C; minus strand). Cytogenetic location: 9q33.1.
Variant type: single nucleotide variant.
Coding change: c.115G>A on transcript NM_002160.4 (MANE Select); coding-DNA position 115, G replaced by A.
Protein change: p.Ala39Thr; replaces alanine 39 with threonine.
Molecular consequence: missense variant.
Genome position (GRCh38, 1-based): chr9:115,090,904, C>T on the plus strand (G>A on the coding strand, the complement: TNC is on the minus strand). VCF-style: chr9-115090904-C-T. GRCh37 (hg19) VCF-style: chr9-117853183-C-T.
Other names: short protein forms A39T.
Identifiers: ClinVar variation 1317608 (VCV001317608.5), dbSNP rs143586851, ClinGen allele CA5209135.

ClinVar aggregate classification (germline): Conflicting classifications of pathogenicity. Review status: criteria provided, conflicting classifications (1 of 4 stars). 4 submissions from 4 submitters: Uncertain significance (1); Likely benign (3). Last evaluated 2026-03-18.

Conditions:
Autosomal dominant nonsyndromic hearing loss 56. Also called: Deafness, autosomal dominant 56. Identifiers: Orphanet 90635, MedGen C3810170, MONDO:0014283, OMIM 615629.
TNC-related disorder. Also called: TNC-related condition.

Allele frequency attached by ClinVar (database versions not stated): gnomAD exomes 0.00021; ExAC 0.00022; ESP Exome Variant Server 0.00038.
gnomAD v4.1: 605 of 1,613,998 alleles (0.037%); highest among the groups gnomAD compares: Non-Finnish European, 0.049%; 1 homozygote.

Submissions (4):

PreventionGenetics, part of Exact Sciences
Classification: Uncertain significance for TNC-related condition. Last evaluated: 2026-03-18. Review status: criteria provided, single submitter. Criteria: ACMG Guidelines, 2015. Collection method: clinical testing. Allele origin: germline.
Comment: The TNC c.115G>A variant is predicted to result in the amino acid substitution p.Ala39Thr. To our knowledge, this variant has not been reported in the literature. This variant is reported in 0.045% of alleles in individuals of European (Non-Finnish) descent in gnomAD. Although we suspect that this variant may be benign, at this time, the clinical significance of this variant is uncertain due to the absence of conclusive functional and genetic evidence.

Blueprint Genetics
Classification: Likely benign. Last evaluated: 2024-10-17. Review status: criteria provided, single submitter. Criteria: ACMG Guidelines, 2015. Collection method: clinical testing. Allele origin: germline.

Department of Pathology and Laboratory Medicine, Sinai Health System
Classification: Likely benign for Autosomal dominant nonsyndromic hearing loss 56. Last evaluated: 2021-07-30. Review status: criteria provided, single submitter. Criteria: ACMG Guidelines, 2015. Collection method: research. Allele origin: germline.

GeneDx
Classification: Likely benign. Last evaluated: 2020-07-15. Review status: criteria provided, single submitter. Criteria: GeneDx Variant Classification Process June 2021. Collection method: clinical testing. Allele origin: germline. Affected: yes.
Comment: In silico analysis supports that this missense variant does not alter protein structure/function; This variant is associated with the following publications: (PMID: 31190668)